The following is an entry in ClinVar:

NM_016030.6(TRAPPC12):c.2090T>C (p.Leu697Pro)

Genes: TRAPPC12 (trafficking protein particle complex subunit 12; plus strand), TRAPPC12-AS1 (TRAPPC12 antisense RNA 1; minus strand). Cytogenetic location: 2p25.3.
Variant type: single nucleotide variant.
Coding change: c.2090T>C on transcript NM_016030.6 (MANE Select); coding-DNA position 2090, T replaced by C.
Protein change: p.Leu697Pro; replaces leucine 697 with proline.
Molecular consequence: missense variant.
Genome position (GRCh38, 1-based): chr2:3,479,343, T>C. VCF-style: chr2-3479343-T-C. GRCh37 (hg19) VCF-style: chr2-3483114-T-C.
Other names: c.2090T>C, p.Leu697Pro (NM_001321102.2); short protein forms L697P.
Identifiers: ClinVar variation 1339187 (VCV001339187.2), dbSNP rs1277040737, ClinGen allele CA345735067.
Genomic context (GRCh38, chr2:3,479,343, plus strand): 5'-TGGAGGCCATGGTCCAGCAGGACCCCAGGCACTACCTGCACGAGAGCGTGCTCTTCAACC[T>C]GACCACCATGTACGAGCTGGAGTCCTCACGGAGCATGCAGAAGAAACAGGCCCTGCTGGA-3'
Protein context (NP_057114.5, residues 687-707): HYLHESVLFN[Leu697Pro]TTMYELESSR

ClinVar aggregate classification (germline): Uncertain significance (1 of 4 stars; one submission).

Conditions:
Early-onset progressive encephalopathy-hearing loss-pons hypoplasia-brain atrophy syndrome. Also called: ENCEPHALOPATHY, PROGRESSIVE, EARLY-ONSET, WITH BRAIN ATROPHY AND SPASTICITY. Identifiers: Orphanet 500144, MedGen C5567229, MONDO:0044696, OMIM 617669.

Allele frequency attached by ClinVar (database versions not stated): gnomAD exomes below 0.00001 and 0.00001.
gnomAD v4.1: 2 of 1,614,192 alleles (0.00012%); highest among the groups gnomAD compares: South Asian, 0.0011%; no homozygotes.

Submission:

Neuberg Centre For Genomic Medicine, NCGM
Classification: Uncertain significance for Early-onset progressive encephalopathy-hearing loss-pons hypoplasia-brain atrophy syndrome. Review status: criteria provided, single submitter. Criteria: ACMG Guidelines, 2015. Collection method: clinical testing. Allele origin: germline. Affected: yes.
Comment: The missense variant p.L697P in TRAPPC12 (NM_016030.6) has not been reported previously as a pathogenic variant nor as a benign variant, to our knowledge. The p.L697P variant is observed in 2/30,614 (0.0065%) alleles from individuals of South Asian background in gnomAD Exomes and is novel (not in any individuals) in 1000 Genomes. The p.L697P missense variant is predicted to be damaging by both SIFT and PolyPhen2. The leucine residue at codon 697 of TRAPPC12 is conserved in all mammalian species. The nucleotide c.2090 in TRAPPC12 is predicted conserved by GERP++ and PhyloP across 100 vertebrates. For these reasons, this variant has been classified as Uncertain Significance.